The following is an entry in ClinVar:

ClinVar aggregate classification (germline): Uncertain significance. Review status: criteria provided, multiple submitters, no conflicts (2 of 4 stars). 2 submissions from 2 submitters: Uncertain significance (2). Last evaluated 2025-04-24.

Allele frequency attached by ClinVar (database versions not stated): gnomAD exomes below 0.00001; TOPMed 0.00001.
gnomAD v4.1: 1 of 1,612,768 alleles (0.000062%); highest among the groups gnomAD compares: Admixed American, 0.0017%; no homozygotes.

Submissions (2):

Revvity Omics, Revvity
Classification: Uncertain significance. Last evaluated: 2025-04-24. Review status: criteria provided, single submitter. Criteria: ACMG Guidelines, 2015. Collection method: clinical testing. Allele origin: germline.

Women's Health and Genetics/Laboratory Corporation of America, LabCorp
Classification: Uncertain significance. Last evaluated: 2021-08-05. Review status: criteria provided, single submitter. Criteria: LabCorp Variant Classification Summary - May 2015. Collection method: clinical testing. Allele origin: germline.
Comment: Variant summary: TTN c.28487G>A (p.Ser9496Asn) results in a conservative amino acid change located in the I-band domain of the encoded protein sequence. Three of four in-silico tools predict a benign effect of the variant on protein function. The variant was absent in 248510 control chromosomes. The available data on variant occurrences in the general population are insufficient to allow any conclusion about variant significance. To our knowledge, no occurrence of c.28487G>A in individuals affected with Dilated Cardiomyopathy and no experimental evidence demonstrating its impact on protein function have been reported. No clinical diagnostic laboratories have submitted clinical-significance assessments for this variant to ClinVar after 2014. Based on the evidence outlined above, the variant was classified as uncertain significance.

NM_001267550.2(TTN):c.32219G>A (p.Ser10740Asn)

Gene: TTN (titin; minus strand). Cytogenetic location: 2q31.2.
Variant type: single nucleotide variant.
Coding change: c.32219G>A on transcript NM_001267550.2 (MANE Select); coding-DNA position 32219, G replaced by A.
Protein change: p.Ser10740Asn; replaces serine 10740 with asparagine.
Molecular consequence: missense variant. On other transcripts: intron variant (3).
Genome position (GRCh38, 1-based): chr2:178,688,203, C>T on the plus strand (G>A on the coding strand, the complement: TTN is on the minus strand). VCF-style: chr2-178688203-C-T. GRCh37 (hg19) VCF-style: chr2-179552930-C-T.
Other names: c.31268G>A, p.Ser10423Asn (NM_001256850.1); c.28487G>A, p.Ser9496Asn (NM_133378.4); c.13283-45886G>A (NM_003319.4); c.13859-45886G>A (NM_133437.4); c.13658-45886G>A (NM_133432.3); short protein forms S10423N, S10740N, S9496N.
Identifiers: ClinVar variation 1217263 (VCV001217263.3), dbSNP rs2071387213, ClinGen allele CA349552197.
Genomic context (GRCh38, chr2:178,688,203, plus strand): 5'-TCCTCTCTTTCTTCTTCTCTATAAACTGAAATGGACACACCTTCCTCCTCTTCTGAGTAA[C>T]TCCATTCCTCCTCTGCAGATACTTTAAAAGATAAGGTTTCATTTAAATTCAGCCTGCTGA-3'
Protein context (NP_001254479.2, residues 10730-10750): RHEVSAEEEW[Ser10740Asn]YSEEEEGVSI